The following is an entry in ClinVar:

ClinVar aggregate classification (germline): Uncertain significance. Review status: criteria provided, multiple submitters, no conflicts (2 of 4 stars). 2 submissions from 2 submitters: Uncertain significance (2). Last evaluated 2024-09-25.

Conditions:
Saldino-Mainzer syndrome (SRTD9). Also called: Renal dysplasia, retinal pigmentary dystrophy, cerebellar ataxia and skeletal dysplasia; short-rib thoracic dysplasia 9 with or without polydactyly; CONORENAL SYNDROME; SHORT-RIB THORACIC DYSPLASIA 9 WITHOUT POLYDACTYLY. Identifiers: Orphanet 140969, MedGen C1849437, MONDO:0009964, OMIM 266920.

Allele frequency attached by ClinVar (database versions not stated): gnomAD 0.00001; gnomAD exomes 0.00001; ExAC 0.00002; 1000 Genomes Project 30x 0.00016; 1000 Genomes Project 0.00020.
gnomAD v4.1: 10 of 1,614,108 alleles (0.00062%); highest among the groups gnomAD compares: Admixed American, 0.0033%; no homozygotes.

Submissions (2):

Blueprint Genetics
Classification: Uncertain significance. Last evaluated: 2024-09-25. Review status: criteria provided, single submitter. Criteria: ACMG Guidelines, 2015. Collection method: clinical testing. Allele origin: germline.

Labcorp Genetics (formerly Invitae), Labcorp
Classification: Uncertain significance for Saldino-Mainzer syndrome. Last evaluated: 2024-07-15. Review status: criteria provided, single submitter. Criteria: Invitae Variant Classification Sherloc (09022015). Collection method: clinical testing. Allele origin: germline.
Comment: This sequence change replaces arginine, which is basic and polar, with tryptophan, which is neutral and slightly polar, at codon 73 of the IFT140 protein (p.Arg73Trp). This variant is present in population databases (rs201990219, gnomAD 0.003%). This variant has not been reported in the literature in individuals affected with IFT140-related conditions. ClinVar contains an entry for this variant (Variation ID: 1423214). Advanced modeling of protein sequence and biophysical properties (such as structural, functional, and spatial information, amino acid conservation, physicochemical variation, residue mobility, and thermodynamic stability) has been performed at Invitae for this missense variant, however the output from this modeling did not meet the statistical confidence thresholds required to predict the impact of this variant on IFT140 protein function. In summary, the available evidence is currently insufficient to determine the role of this variant in disease. Therefore, it has been classified as a Variant of Uncertain Significance.

NM_014714.4(IFT140):c.217C>T (p.Arg73Trp)

Genes: IFT140 (intraflagellar transport 140; minus strand), LOC105371046 (uncharacterized LOC105371046; plus strand). Cytogenetic location: 16p13.3.
Variant type: single nucleotide variant.
Coding change: c.217C>T on transcript NM_014714.4 (MANE Select); coding-DNA position 217, C replaced by T.
Protein change: p.Arg73Trp; replaces arginine 73 with tryptophan.
Molecular consequence: missense variant.
Genome position (GRCh38, 1-based): chr16:1,602,522, G>A on the plus strand (C>T on the coding strand, the complement: IFT140 is on the minus strand). VCF-style: chr16-1602522-G-A. GRCh37 (hg19) VCF-style: chr16-1652523-G-A.
Other names: short protein forms R73W.
Identifiers: ClinVar variation 1423214 (VCV001423214.7), dbSNP rs201990219, ClinGen allele CA7814773.